The following is an entry in ClinVar:

NM_031448.6(C19orf12):c.285C>G (p.Ile95Met)

Gene: C19orf12 (chromosome 19 open reading frame 12; minus strand). Cytogenetic location: 19q12.
Variant type: single nucleotide variant.
Coding change: c.285C>G on transcript NM_031448.6 (MANE Select); coding-DNA position 285, C replaced by G.
Protein change: p.Ile95Met; replaces isoleucine 95 with methionine.
Molecular consequence: missense variant.
Genome position (GRCh38, 1-based): chr19:29,702,853, G>C on the plus strand (C>G on the coding strand, the complement: C19orf12 is on the minus strand). VCF-style: chr19-29702853-G-C. GRCh37 (hg19) VCF-style: chr19-30193760-G-C.
Other names: c.285C>G, p.Ile95Met (NM_001031726.4, NM_001256046.3, NM_001256047.2); c.93C>G, p.Ile31Met (NM_001282929.1, NM_001282930.3, NM_001282931.3); short protein forms I31M, I95M.
Identifiers: ClinVar variation 4773356 (VCV004773356.1).

ClinVar aggregate classification (germline): Uncertain significance (1 of 4 stars; one submission).

Conditions:
Hereditary spastic paraplegia 43. Also called: Spastic paraplegia 43, autosomal recessive. Identifiers: Orphanet 320370, MedGen C2680446, MONDO:0014024, OMIM 615043.

gnomAD v4.1: 5 of 1,614,084 alleles (0.00031%); highest among the groups gnomAD compares: South Asian, 0.0044%; no homozygotes.

Submission:

Labcorp Genetics (formerly Invitae), Labcorp
Classification: Uncertain significance for Hereditary spastic paraplegia 43. Last evaluated: 2025-12-18. Review status: criteria provided, single submitter. Criteria: Invitae Variant Classification Sherloc (09022015). Collection method: clinical testing. Allele origin: germline.
Comment: This sequence change replaces isoleucine, which is neutral and non-polar, with methionine, which is neutral and non-polar, at codon 106 of the C19orf12 protein (p.Ile106Met). This variant is present in population databases (rs747924207, gnomAD 0.003%). This variant has not been reported in the literature in individuals affected with C19orf12-related conditions. An algorithm developed to predict the effect of missense changes on protein structure and function (PolyPhen-2) suggests that this variant is likely to be disruptive. In summary, the available evidence is currently insufficient to determine the role of this variant in disease. Therefore, it has been classified as a Variant of Uncertain Significance.